The following is an entry in ClinVar:

NM_005121.3(MED13):c.1762C>G (p.Pro588Ala)

Gene: MED13 (mediator complex subunit 13; minus strand). Cytogenetic location: 17q23.2.
Variant type: single nucleotide variant.
Coding change: c.1762C>G on transcript NM_005121.3 (MANE Select); coding-DNA position 1762, C replaced by G.
Protein change: p.Pro588Ala; replaces proline 588 with alanine.
Molecular consequence: missense variant.
Genome position (GRCh38, 1-based): chr17:62,010,755, G>C on the plus strand (C>G on the coding strand, the complement: MED13 is on the minus strand). VCF-style: chr17-62010755-G-C. GRCh37 (hg19) VCF-style: chr17-60088116-G-C.
Other names: short protein forms P588A.
Identifiers: ClinVar variation 2631890 (VCV002631890.1), dbSNP rs2509331178, ClinGen allele CA400518175.

ClinVar aggregate classification (germline): Uncertain significance (1 of 4 stars; one submission).

Conditions:
MED13-related disorder. Also called: MED13-related condition.

Allele frequency attached by ClinVar (database versions not stated): gnomAD exomes below 0.00001.
gnomAD v4.1: 1 of 1,614,050 alleles (0.000062%); highest among the groups gnomAD compares: Non-Finnish European, 0.000085%; no homozygotes.

Submission:

PreventionGenetics, part of Exact Sciences
Classification: Uncertain significance for MED13-related condition. Last evaluated: 2023-07-21. Review status: criteria provided, single submitter. Criteria: ACMG Guidelines, 2015. Collection method: clinical testing. Allele origin: germline.
Comment: The MED13 c.1762C>G variant is predicted to result in the amino acid substitution p.Pro588Ala. To our knowledge, this variant has not been reported in the literature or in a large population database, indicating this variant is rare. At this time, the clinical significance of this variant is uncertain due to the absence of conclusive functional and genetic evidence.